The following is an entry in ClinVar:

NM_002775.5(HTRA1):c.170G>C (p.Arg57Pro)

Gene: HTRA1 (HtrA serine peptidase 1; plus strand). Cytogenetic location: 10q26.13.
Variant type: single nucleotide variant.
Coding change: c.170G>C on transcript NM_002775.5 (MANE Select); coding-DNA position 170, G replaced by C.
Protein change: p.Arg57Pro; replaces arginine 57 with proline.
Molecular consequence: missense variant.
Genome position (GRCh38, 1-based): chr10:122,461,822, G>C. VCF-style: chr10-122461822-G-C. GRCh37 (hg19) VCF-style: chr10-124221338-G-C.
Other names: short protein forms R57P.
Identifiers: ClinVar variation 4747118 (VCV004747118.1).

ClinVar aggregate classification (germline): Uncertain significance (1 of 4 stars; one submission).

Submission:

Labcorp Genetics (formerly Invitae), Labcorp
Classification: Uncertain significance. Last evaluated: 2025-08-23. Review status: criteria provided, single submitter. Criteria: Invitae Variant Classification Sherloc (09022015). Collection method: clinical testing. Allele origin: germline.
Comment: This sequence change replaces arginine, which is basic and polar, with proline, which is neutral and non-polar, at codon 57 of the HTRA1 protein (p.Arg57Pro). This variant is not present in population databases (gnomAD no frequency). This variant has not been reported in the literature in individuals affected with HTRA1-related conditions. Invitae Evidence Modeling of protein sequence and biophysical properties (such as structural, functional, and spatial information, amino acid conservation, physicochemical variation, residue mobility, and thermodynamic stability) indicates that this missense variant is not expected to disrupt HTRA1 protein function with a negative predictive value of 95%. In summary, the available evidence is currently insufficient to determine the role of this variant in disease. Therefore, it has been classified as a Variant of Uncertain Significance.